The following is an entry in ClinVar:

NM_002900.3(RBP3):c.1636G>A (p.Ala546Thr)

Gene: RBP3 (retinol binding protein 3; plus strand). Cytogenetic location: 10q11.22.
Variant type: single nucleotide variant.
Coding change: c.1636G>A on transcript NM_002900.3 (MANE Select); coding-DNA position 1636, G replaced by A.
Protein change: p.Ala546Thr; replaces alanine 546 with threonine.
Molecular consequence: missense variant.
Genome position (GRCh38, 1-based): chr10:47,350,120, G>A. VCF-style: chr10-47350120-G-A. GRCh37 (hg19) VCF-style: chr10-48389242-C-T.
Other names: short protein forms A546T.
Identifiers: ClinVar variation 1010107 (VCV001010107.6), dbSNP rs782429876, ClinGen allele CA5487473.

ClinVar aggregate classification (germline): Uncertain significance (1 of 4 stars; one submission).

Allele frequency attached by ClinVar (database versions not stated): gnomAD exomes below 0.00001 and 0.00001; ExAC 0.00001; gnomAD 0.00001; TOPMed 0.00001.

Submission:

Labcorp Genetics (formerly Invitae), Labcorp
Classification: Uncertain significance. Last evaluated: 2022-10-25. Review status: criteria provided, single submitter. Criteria: Invitae Variant Classification Sherloc (09022015). Collection method: clinical testing. Allele origin: germline.
Comment: The frequency data for this variant in the population databases is considered unreliable, as metrics indicate poor data quality at this position in the gnomAD database. This variant has not been reported in the literature in individuals affected with RBP3-related conditions. ClinVar contains an entry for this variant (Variation ID: 1010107). Algorithms developed to predict the effect of missense changes on protein structure and function are either unavailable or do not agree on the potential impact of this missense change (SIFT: "Deleterious"; PolyPhen-2: "Possibly Damaging"; Align-GVGD: "Class C0"). In summary, the available evidence is currently insufficient to determine the role of this variant in disease. Therefore, it has been classified as a Variant of Uncertain Significance. This sequence change replaces alanine, which is neutral and non-polar, with threonine, which is neutral and polar, at codon 546 of the RBP3 protein (p.Ala546Thr).